The following is an entry in ClinVar:

ClinVar aggregate classification (germline): Uncertain significance (1 of 4 stars; one submission).

Allele frequency attached by ClinVar (database versions not stated): gnomAD exomes 0.00023 and 0.00034; ExAC 0.00026; gnomAD 0.00026; TOPMed 0.00032; ESP Exome Variant Server 0.00038.

Submission:

Labcorp Genetics (formerly Invitae), Labcorp
Classification: Uncertain significance. Last evaluated: 2026-01-12. Review status: criteria provided, single submitter. Criteria: Invitae Variant Classification Sherloc (09022015). Collection method: clinical testing. Allele origin: germline.
Comment: This sequence change replaces arginine, which is basic and polar, with cysteine, which is neutral and slightly polar, at codon 200 of the TOP1MT protein (p.Arg200Cys). This variant is present in population databases (rs146761712, gnomAD 0.04%). This variant has not been reported in the literature in individuals affected with TOP1MT-related conditions. ClinVar contains an entry for this variant (Variation ID: 1486394). Invitae Evidence Modeling of protein sequence and biophysical properties (such as structural, functional, and spatial information, amino acid conservation, physicochemical variation, residue mobility, and thermodynamic stability) indicates that this missense variant is expected to disrupt TOP1MT protein function with a positive predictive value of 80%. In summary, the available evidence is currently insufficient to determine the role of this variant in disease. Therefore, it has been classified as a Variant of Uncertain Significance.

NM_052963.3(TOP1MT):c.598C>T (p.Arg200Cys)

Gene: TOP1MT (DNA topoisomerase I mitochondrial; minus strand). Cytogenetic location: 8q24.3.
Variant type: single nucleotide variant.
Coding change: c.598C>T on transcript NM_052963.3 (MANE Select); coding-DNA position 598, C replaced by T.
Protein change: p.Arg200Cys; replaces arginine 200 with cysteine.
Molecular consequence: missense variant.
Genome position (GRCh38, 1-based): chr8:143,325,419, G>A on the plus strand (C>T on the coding strand, the complement: TOP1MT is on the minus strand). VCF-style: chr8-143325419-G-A. GRCh37 (hg19) VCF-style: chr8-144407589-G-A.
Other names: c.304C>T, p.Arg102Cys (NM_001258446.1, NM_001258447.1); short protein forms R102C, R200C.
Identifiers: ClinVar variation 1486394 (VCV001486394.8), dbSNP rs146761712, ClinGen allele CA4908766.
Genomic context (GRCh38, chr8:143,325,419, plus strand): 5'-TAACCACATCCTCTGGCGTGATCCTTCTCTTCAGCATCCCCATCTTGGGATGGTCGCCAC[G>A]GCCACGGAACAAGCCAGGCGGCTCAATCTTGAAGTTGCCTATTTTTTCTTGGTGACCATC-3'
Protein context (NP_443195.1, residues 190-210): KIEPPGLFRG[Arg200Cys]GDHPKMGMLK